The following is an entry in ClinVar:

NM_020975.6(RET):c.2420C>T (p.Ala807Val)

Gene: RET (ret proto-oncogene; plus strand). Cytogenetic location: 10q11.21.
Variant type: single nucleotide variant.
Coding change: c.2420C>T on transcript NM_020975.6 (MANE Select); coding-DNA position 2420, C replaced by T.
Protein change: p.Ala807Val; replaces alanine 807 with valine.
Molecular consequence: missense variant.
Genome position (GRCh38, 1-based): chr10:43,119,558, C>T. VCF-style: chr10-43119558-C-T. GRCh37 (hg19) VCF-style: chr10-43615006-C-T.
Other names: c.2420C>T, p.Ala807Val (NM_000323.2, NM_001406743.1, NM_001406744.1 and 4 more transcripts); c.1658C>T, p.Ala553Val (NM_001355216.2); c.2291C>T, p.Ala764Val (NM_001406761.1, NM_001406762.1, NM_001406764.1); c.2285C>T, p.Ala762Val (NM_001406763.1, NM_001406765.1); c.2132C>T, p.Ala711Val (NM_001406766.1, NM_001406767.1, NM_001406770.1); c.2156C>T, p.Ala719Val (NM_001406768.1); c.2024C>T, p.Ala675Val (NM_001406769.1, NM_001406772.1); c.1982C>T, p.Ala661Val (NM_001406771.1, NM_001406773.1); and 10 more; short protein forms A807V, A553V, A463V, A465V, A477V, A632V, A764V, A324V.
Identifiers: ClinVar variation 543744 (VCV000543744.11), dbSNP rs1554819523, ClinGen allele CA376556090.

ClinVar aggregate classification (germline): Uncertain significance. Review status: criteria provided, multiple submitters, no conflicts (2 of 4 stars). 3 submissions from 3 submitters: Uncertain significance (3). Last evaluated 2025-01-25.

Conditions:
Hereditary cancer-predisposing syndrome. Also called: Neoplastic Syndromes, Hereditary; Hereditary Cancer Syndrome; Hereditary neoplastic syndrome; Tumor predisposition. Identifiers: Orphanet 140162, MedGen C0027672, MeSH D009386, MONDO:0015356.
Multiple endocrine neoplasia, type 2 (MEN2). Identifiers: Orphanet 653, MedGen C4048306, MONDO:0019003. Disease mechanism: gain of function.
Hirschsprung disease, susceptibility to, 1 (HSCR1). Also called: RET-Related Hirschsprung Disease. Identifiers: Orphanet 388, MedGen C3888239, MONDO:0007723, OMIM 142623.

Submissions (3):

Ambry Genetics
Classification: Uncertain significance for Hereditary cancer-predisposing syndrome. Last evaluated: 2025-01-25. Review status: criteria provided, single submitter. Criteria: Ambry Variant Classification Scheme 2023. Collection method: clinical testing. Allele origin: germline.
Comment: The p.A807V variant (also known as c.2420C>T), located in coding exon 14 of the RET gene, results from a C to T substitution at nucleotide position 2420. The alanine at codon 807 is replaced by valine, an amino acid with similar properties. This amino acid position is highly conserved in available vertebrate species. In addition, this alteration is predicted to be deleterious by in silico analysis. Based on the available evidence, the clinical significance of this variant remains unclear.

Baylor Genetics
Classification: Uncertain significance for Hirschsprung disease, susceptibility to, 1. Last evaluated: 2023-05-30. Review status: criteria provided, single submitter. Criteria: ACMG Guidelines, 2015. Collection method: clinical testing. Allele origin: unknown.

Labcorp Genetics (formerly Invitae), Labcorp
Classification: Uncertain significance for Multiple endocrine neoplasia, type 2. Last evaluated: 2022-02-18. Review status: criteria provided, single submitter. Criteria: Invitae Variant Classification Sherloc (09022015). Collection method: clinical testing. Allele origin: germline.
Comment: This sequence change replaces alanine, which is neutral and non-polar, with valine, which is neutral and non-polar, at codon 807 of the RET protein (p.Ala807Val). This variant is not present in population databases (gnomAD no frequency). This variant has not been reported in the literature in individuals affected with RET-related conditions. ClinVar contains an entry for this variant (Variation ID: 543744). Algorithms developed to predict the effect of missense changes on protein structure and function are either unavailable or do not agree on the potential impact of this missense change (SIFT: "Deleterious"; PolyPhen-2: "Probably Damaging"; Align-GVGD: "Class C0"). In summary, the available evidence is currently insufficient to determine the role of this variant in disease. Therefore, it has been classified as a Variant of Uncertain Significance.